The following is an entry in ClinVar:

NM_001370259.2(MEN1):c.1732C>T (p.Gln578Ter)

Gene: MEN1 (menin 1; minus strand). Cytogenetic location: 11q13.1.
Variant type: single nucleotide variant.
Coding change: c.1732C>T on transcript NM_001370259.2 (MANE Select); coding-DNA position 1732, C replaced by T.
Protein change: p.Gln578Ter; replaces glutamine 578 with a stop codon.
Molecular consequence: nonsense.
Genome position (GRCh38, 1-based): chr11:64,804,435, G>A on the plus strand (C>T on the coding strand, the complement: MEN1 is on the minus strand). VCF-style: chr11-64804435-G-A. GRCh37 (hg19) VCF-style: chr11-64571907-G-A.
Other names: p.Gln578*; c.1753C>T, p.Gln585Ter (NM_001407151.1); c.1567C>T, p.Gln523Ter (NM_001407152.1); c.1732C>T, p.Gln578Ter (NM_130799.3, NM_001370260.2, NM_001370261.2 and 2 more transcripts); c.1747C>T, p.Gln583Ter (NM_130800.3, NM_130801.3, NM_130802.3 and 4 more transcripts); c.1858C>T, p.Gln620Ter (NM_001370251.2, NM_001407142.1, NM_001407143.1 and 1 more transcripts); c.1627C>T, p.Gln543Ter (NM_001370262.2, NM_001370263.2, NM_001407148.1 and 1 more transcripts); c.1873C>T, p.Gln625Ter (NM_001407150.1); short protein forms Q523*, Q578*, Q585*, Q620*, Q543*, Q583*, Q625*.
Identifiers: ClinVar variation 2137137 (VCV002137137.6), dbSNP rs2136079024, ClinGen allele CA381177532.

ClinVar aggregate classification (germline): Likely pathogenic. Review status: criteria provided, multiple submitters, no conflicts (2 of 4 stars). 3 submissions from 3 submitters: Likely pathogenic (3). Last evaluated 2025-06-20.

Conditions:
Multiple endocrine neoplasia, type 1 (MEN1). Also called: WERMER SYNDROME; Endocrine adenomatosis multiple; MEN 1; MEA I; MEN I. Identifiers: Orphanet 652, MedGen C0025267, MeSH D018761, MONDO:0007540, OMIM 131100.

Submissions (3):

GeneKor MSA
Classification: Likely pathogenic for Multiple endocrine neoplasia, type 1. Last evaluated: 2025-06-20. Review status: criteria provided, single submitter. Criteria: ACMG Guidelines, 2015. Collection method: clinical testing. Allele origin: germline.
Comment: This variant is a single nucleotide substitution at position c.1732 of the MEN1 gene, resulting in the replacement of glutamine with a premature stop codon at position 578 of the MEN1 protein -p.(Gln578*). This change occurs in a functionally important region of the protein (PMID:15331604, 16449969) and is predicted to disrupt the final 33 amino acids of the MEN1 protein, which may have functional consequences. This variant is not listed in population databases (ExAC, 1000 Genomes, gnomAD) and is reported in the ClinVar database (VCV002137137.4). For these reasons, the variant is classified as likely pathogenic.

Labcorp Genetics (formerly Invitae), Labcorp
Classification: Likely pathogenic for Multiple endocrine neoplasia, type 1. Last evaluated: 2022-08-07. Review status: criteria provided, single submitter. Criteria: Invitae Variant Classification Sherloc (09022015). Collection method: clinical testing. Allele origin: germline.
Comment: This variant is not present in population databases (gnomAD no frequency). This variant disrupts the NLS2 domain of the MEN1 protein, which is important for DNA binding and repression of cell proliferation (PMID: 15331604, 16449969). While functional studies have not been performed to directly test the effect of this variant on MEN1 protein function, this suggests that disruption of this region of the protein is causative of disease. This variant is also known as 1747C>T, Q583STOP. This premature translational stop signal has been observed in individual(s) with hyperparathyroidism (PMID: 22187299). This sequence change creates a premature translational stop signal (p.Gln578*) in the MEN1 gene. While this is not anticipated to result in nonsense mediated decay, it is expected to disrupt the last 33 amino acid(s) of the MEN1 protein. In summary, the currently available evidence indicates that the variant is pathogenic, but additional data are needed to prove that conclusively. Therefore, this variant has been classified as Likely Pathogenic.

Mayo Clinic Laboratories, Mayo Clinic
Classification: Likely pathogenic. Last evaluated: 2022-07-08. Review status: criteria provided, single submitter. Criteria: ACMG Guidelines, 2015. Collection method: clinical testing. Allele origin: germline. Observed: 1 variant allele.
Comment: PP4, PM2, PVS1_strong

Literature cited by the submitters: PubMed 15331604 (cited by GeneKor MSA and Labcorp Genetics (formerly Invitae), Labcorp); PubMed 16449969 (cited by GeneKor MSA and Labcorp Genetics (formerly Invitae), Labcorp); PubMed 22187299 (cited by Labcorp Genetics (formerly Invitae), Labcorp and Mayo Clinic Laboratories, Mayo Clinic).